The following is an entry in ClinVar:

ClinVar aggregate classification (germline): Benign/Likely benign. Review status: criteria provided, multiple submitters, no conflicts (2 of 4 stars). 4 submissions from 4 submitters: Benign (2); Likely benign (2). Last evaluated 2026-01-15.

Allele frequency attached by ClinVar (database versions not stated): gnomAD exomes 0.00294; ExAC 0.00356; gnomAD 0.01092 and 0.01155; TOPMed 0.01097; ESP Exome Variant Server 0.01263; 1000 Genomes Project 0.01478; 1000 Genomes Project 30x 0.01562.
gnomAD v4.1: 3,273 of 1,614,018 alleles (0.2%); highest among the groups gnomAD compares: African/African-American, 3.7%; 71 homozygotes.

Submissions (4):

Labcorp Genetics (formerly Invitae), Labcorp
Classification: Benign. Last evaluated: 2026-01-15. Review status: criteria provided, single submitter. Criteria: Invitae Variant Classification Sherloc (09022015). Collection method: clinical testing. Allele origin: germline.

Athena Diagnostics
Classification: Benign. Last evaluated: 2025-07-22. Review status: criteria provided, single submitter. Criteria: Athena Diagnostics Criteria. Collection method: clinical testing. Allele origin: unknown.
Comment: The frequency of this variant in the general population is higher than would generally be expected for pathogenic variants in this gene. Computational tools yielded predictions that this variant is unlikely to have an effect on normal RNA splicing. This nucleotide position exhibits low evolutionary conservation. This variant has been seen where an alternate explanation for disease was also identified.

GeneDx
Classification: Likely benign. Last evaluated: 2022-05-06. Review status: criteria provided, single submitter. Criteria: GeneDx Variant Classification Process June 2021. Collection method: clinical testing. Allele origin: germline. Affected: yes.
Comment: See Variant Classification Assertion Criteria.

Breakthrough Genomics
Classification: Likely benign. Review status: criteria provided, single submitter. Criteria: ACMG Guidelines, 2015. Collection method: not provided. Allele origin: germline. Inheritance: Autosomal recessive inheritance. Affected: yes.

NM_006946.4(SPTBN2):c.234G>A (p.Val78=)

Gene: SPTBN2 (spectrin beta, non-erythrocytic 2; minus strand). Cytogenetic location: 11q13.2.
Variant type: single nucleotide variant.
Coding change: c.234G>A on transcript NM_006946.4 (MANE Select); coding-DNA position 234, G replaced by A.
Protein change: p.Val78=; no amino-acid change (valine 78 retained).
Molecular consequence: synonymous variant.
Genome position (GRCh38, 1-based): chr11:66,715,905, C>T on the plus strand (G>A on the coding strand, the complement: SPTBN2 is on the minus strand). VCF-style: chr11-66715905-C-T. GRCh37 (hg19) VCF-style: chr11-66483376-C-T.
Identifiers: ClinVar variation 305601 (VCV000305601.17), dbSNP rs78309877, ClinGen allele CA6129731.